The following is an entry in ClinVar:

ClinVar aggregate classification (germline): Uncertain significance (1 of 4 stars; one submission).

Allele frequency attached by ClinVar (database versions not stated): gnomAD exomes below 0.00001 and 0.00001; ExAC 0.00001; gnomAD 0.00001; TOPMed 0.00001.
gnomAD v4.1: 9 of 1,614,024 alleles (0.00056%); highest among the groups gnomAD compares: Non-Finnish European, 0.00076%; no homozygotes.

Submission:

Labcorp Genetics (formerly Invitae), Labcorp
Classification: Uncertain significance. Last evaluated: 2024-07-06. Review status: criteria provided, single submitter. Criteria: Invitae Variant Classification Sherloc (09022015). Collection method: clinical testing. Allele origin: germline.
Comment: This sequence change replaces valine, which is neutral and non-polar, with isoleucine, which is neutral and non-polar, at codon 214 of the MCM2 protein (p.Val214Ile). This variant is present in population databases (rs747213100, gnomAD 0.004%). This variant has not been reported in the literature in individuals affected with MCM2-related conditions. ClinVar contains an entry for this variant (Variation ID: 1490839). Advanced modeling of protein sequence and biophysical properties (such as structural, functional, and spatial information, amino acid conservation, physicochemical variation, residue mobility, and thermodynamic stability) performed at Invitae indicates that this missense variant is not expected to disrupt MCM2 protein function with a negative predictive value of 80%. In summary, the available evidence is currently insufficient to determine the role of this variant in disease. Therefore, it has been classified as a Variant of Uncertain Significance.

NM_004526.4(MCM2):c.640G>A (p.Val214Ile)

Gene: MCM2 (minichromosome maintenance complex component 2; plus strand). Cytogenetic location: 3q21.3.
Variant type: single nucleotide variant.
Coding change: c.640G>A on transcript NM_004526.4 (MANE Select); coding-DNA position 640, G replaced by A.
Protein change: p.Val214Ile; replaces valine 214 with isoleucine.
Molecular consequence: missense variant. On other transcripts: non-coding transcript variant (1).
Genome position (GRCh38, 1-based): chr3:127,605,123, G>A. VCF-style: chr3-127605123-G-A. GRCh37 (hg19) VCF-style: chr3-127323966-G-A.
Other names: short protein forms V214I.
Identifiers: ClinVar variation 1490839 (VCV001490839.6), dbSNP rs747213100, ClinGen allele CA2595649.